The following is an entry in ClinVar:

ClinVar aggregate classification (germline): Uncertain significance (1 of 4 stars; one submission).

Conditions:
Inborn genetic diseases. Identifiers: MedGen C0950123, MeSH D030342.

Submission:

Ambry Genetics
Classification: Uncertain significance for Inborn genetic diseases. Last evaluated: 2026-08-17. Review status: criteria provided, single submitter. Criteria: Ambry Variant Classification Scheme 2023. Collection method: clinical testing. Allele origin: germline.
Comment: The p.D331V variant (also known as c.992A>T), located in coding exon 8 of the KDM1A gene, results from an A to T substitution at nucleotide position 992. The aspartic acid at codon 331 is replaced by valine, an amino acid with highly dissimilar properties. This amino acid position is conserved. In addition, this alteration is predicted to be deleterious by in silico analysis. Based on the available evidence, the clinical significance of this variant remains unclear.

NM_001009999.3(KDM1A):c.992A>T (p.Asp331Val)

Gene: KDM1A (lysine demethylase 1A; plus strand). Cytogenetic location: 1p36.12.
Variant type: single nucleotide variant.
Coding change: c.992A>T on transcript NM_001009999.3 (MANE Select); coding-DNA position 992, A replaced by T.
Protein change: p.Asp331Val; replaces aspartic acid 331 with valine.
Molecular consequence: missense variant.
Genome position (GRCh38, 1-based): chr1:23,057,485, A>T. VCF-style: chr1-23057485-A-T. GRCh37 (hg19) VCF-style: chr1-23383978-A-T.
Other names: c.932A>T, p.Asp311Val (NM_001363654.2, NM_001410763.1, NM_015013.4); c.992A>T, p.Asp331Val (NM_001410762.1); short protein forms D311V, D331V.
Identifiers: ClinVar variation 5023094 (VCV005023094.1).